The following is an entry in ClinVar:

NM_014754.3(PTDSS1):c.116G>A (p.Arg39Gln)

Gene: PTDSS1 (phosphatidylserine synthase 1; plus strand). Cytogenetic location: 8q22.1.
Variant type: single nucleotide variant.
Coding change: c.116G>A on transcript NM_014754.3 (MANE Select); coding-DNA position 116, G replaced by A.
Protein change: p.Arg39Gln; replaces arginine 39 with glutamine.
Molecular consequence: missense variant. On other transcripts: 5 prime UTR variant (1).
Genome position (GRCh38, 1-based): chr8:96,262,156, G>A. VCF-style: chr8-96262156-G-A. GRCh37 (hg19) VCF-style: chr8-97274384-G-A.
Other names: c.-153G>A (NM_001290225.2); short protein forms R39Q.
Identifiers: ClinVar variation 1397816 (VCV001397816.6), dbSNP rs748448029, ClinGen allele CA4816473.

ClinVar aggregate classification (germline): Uncertain significance (1 of 4 stars; one submission).

Allele frequency attached by ClinVar (database versions not stated): gnomAD exomes below 0.00001; ExAC 0.00001.
gnomAD v4.1: 1 of 1,613,906 alleles (0.000062%); highest among the groups gnomAD compares: Non-Finnish European, 0.000085%; no homozygotes.

Submission:

Labcorp Genetics (formerly Invitae), Labcorp
Classification: Uncertain significance. Last evaluated: 2023-08-17. Review status: criteria provided, single submitter. Criteria: Invitae Variant Classification Sherloc (09022015). Collection method: clinical testing. Allele origin: germline.
Comment: This sequence change replaces arginine, which is basic and polar, with glutamine, which is neutral and polar, at codon 39 of the PTDSS1 protein (p.Arg39Gln). This variant is present in population databases (rs748448029, gnomAD 0.003%). This variant has not been reported in the literature in individuals affected with PTDSS1-related conditions. ClinVar contains an entry for this variant (Variation ID: 1397816). Advanced modeling of protein sequence and biophysical properties (such as structural, functional, and spatial information, amino acid conservation, physicochemical variation, residue mobility, and thermodynamic stability) performed at Invitae indicates that this missense variant is not expected to disrupt PTDSS1 protein function. In summary, the available evidence is currently insufficient to determine the role of this variant in disease. Therefore, it has been classified as a Variant of Uncertain Significance.